The following is an entry in ClinVar:

ClinVar aggregate classification (germline): Pathogenic (1 of 4 stars; one submission).

Conditions:
CHARGE syndrome (CHARGE). Also called: Coloboma, heart anomaly, choanal atresia, retardation, genital and ear anomalies; CHARGE association; Hall-Hittner syndrome; Hittner Hirsch Kreh syndrome; CHARGE ASSOCIATION--COLOBOMA, HEART ANOMALY, CHOANAL ATRESIA, RETARDATION, GENITAL AND EAR ANOMALIES. Identifiers: Orphanet 138, MedGen C0265354, MONDO:0008965.

Submission:

Labcorp Genetics (formerly Invitae), Labcorp
Classification: Pathogenic for CHARGE syndrome. Last evaluated: 2020-12-31. Review status: criteria provided, single submitter. Criteria: Invitae Variant Classification Sherloc (09022015). Collection method: clinical testing. Allele origin: germline.
Comment: This sequence change creates a premature translational stop signal (p.Thr1645Profs*23) in the CHD7 gene. It is expected to result in an absent or disrupted protein product. Loss-of-function variants in CHD7 are known to be pathogenic (PMID: 22461308, 25077900). This variant is not present in population databases (ExAC no frequency). This variant has not been reported in the literature in individuals with CHD7-related conditions. For these reasons, this variant has been classified as Pathogenic.

Literature cited by the submitters: PubMed 22461308; PubMed 25077900.

NM_017780.4(CHD7):c.4933del (p.Thr1645fs)

Gene: CHD7 (chromodomain helicase DNA binding protein 7; plus strand). Cytogenetic location: 8q12.2.
Variant type: Deletion.
Coding change: c.4933del on transcript NM_017780.4 (MANE Select); coding-DNA position 4933, one base deleted (A; older notation c.4933delA).
Protein change: p.Thr1645fs; shifts the reading frame from threonine 1645.
Molecular consequence: frameshift variant. On other transcripts: intron variant (1).
Genome position (GRCh38, 1-based): chr8:60,844,946, A deleted; the last of 2 consecutive A bases (chr8:60,844,945-60,844,946); deleting either gives the same sequence. VCF-style (leftmost placement, unchanged base first): chr8-60844944-GA-G. GRCh37 (hg19) VCF-style: chr8-61757503-GA-G.
Other names: c.1717-17283del (NM_001316690.1); short protein forms T1645fs.
Identifiers: ClinVar variation 1451411 (VCV001451411.6), dbSNP rs2150793143, ClinGen allele CA2573143271.